The following is an entry in ClinVar:

ClinVar aggregate classification (germline): Likely benign (0 of 4 stars; one submission).

Conditions:
NIPBL-related disorder. Also called: NIPBL-related condition.

Submission:

PreventionGenetics, part of Exact Sciences
Classification: Likely benign for NIPBL-related condition. Last evaluated: 2022-01-29. Review status: no assertion criteria provided. Collection method: clinical testing. Allele origin: germline.
Comment: This variant is classified as likely benign based on ACMG/AMP sequence variant interpretation guidelines (Richards et al. 2015 PMID: 25741868, with internal and published modifications).

NM_133433.4(NIPBL):c.2424A>G (p.Arg808=)

Gene: NIPBL (NIPBL cohesin loading factor; plus strand). Cytogenetic location: 5p13.2.
Variant type: single nucleotide variant.
Coding change: c.2424A>G on transcript NM_133433.4 (MANE Select); coding-DNA position 2424, A replaced by G.
Protein change: p.Arg808=; no amino-acid change (arginine 808 retained).
Molecular consequence: synonymous variant.
Genome position (GRCh38, 1-based): chr5:36,985,604, A>G. VCF-style: chr5-36985604-A-G. GRCh37 (hg19) VCF-style: chr5-36985706-A-G.
Other names: c.2424A>G, p.Arg808= (NM_015384.5).
Identifiers: ClinVar variation 3058133 (VCV003058133.2), dbSNP rs2477931235, ClinGen allele CA444095886.